The following is an entry in ClinVar:

NM_014384.3(ACAD8):c.1093-24C>T

Gene: ACAD8 (acyl-CoA dehydrogenase family member 8; plus strand). Cytogenetic location: 11q25.
Variant type: single nucleotide variant.
Coding change: c.1093-24C>T on transcript NM_014384.3 (MANE Select); 24 bases into the intron before coding-DNA position 1093, C replaced by T.
Molecular consequence: intron variant.
Genome position (GRCh38, 1-based): chr11:134,262,496, C>T. VCF-style: chr11-134262496-C-T. GRCh37 (hg19) VCF-style: chr11-134132390-C-T.
Other names: p.?; c.799-24C>T (NM_001441138.1); c.1093-24C>T (NM_001441136.1).
Identifiers: ClinVar variation 4683699 (VCV004683699.1).

ClinVar aggregate classification (germline): Likely benign (1 of 4 stars; one submission).

gnomAD v4.1: 365 of 1,541,806 alleles (0.024%); highest among the groups gnomAD compares: Non-Finnish European, 0.013%; no homozygotes.

Submission:

Mayo Clinic Laboratories, Mayo Clinic
Classification: Likely benign. Last evaluated: 2025-03-24. Review status: criteria provided, single submitter. Criteria: ACMG Guidelines, 2015. Collection method: clinical testing. Allele origin: germline. Observed: 1 variant allele.
Comment: BS1, BP4, BP7